The following is an entry in ClinVar:

ClinVar aggregate classification (germline): Uncertain significance. Review status: criteria provided, single submitter (1 of 4 stars). 2 submissions from 2 submitters: Uncertain significance (1). 1 of the submissions does not count toward it. Last evaluated 2025-04-22.

Conditions:
Hypoproteinemia, hypercatabolic (IMD43). Also called: MHC CLASS I DEFICIENCY 4; IMMUNODEFICIENCY 43; BETA-2-MICROGLOBULIN DEFICIENCY; B2M DEFICIENCY. Identifiers: MedGen C1855796, MONDO:0009434, OMIM 241600.

Allele frequency attached by ClinVar (database versions not stated): gnomAD exomes below 0.00001.
gnomAD v4.1: 7 of 1,613,940 alleles (0.00043%); highest among the groups gnomAD compares: Non-Finnish European, 0.00059%; no homozygotes.

Submissions (2):

Labcorp Genetics (formerly Invitae), Labcorp
Classification: Uncertain significance for Hypoproteinemia, hypercatabolic. Last evaluated: 2025-04-22. Review status: criteria provided, single submitter. Criteria: Invitae Variant Classification Sherloc (09022015). Collection method: clinical testing. Allele origin: germline.
Comment: This sequence change replaces alanine, which is neutral and non-polar, with proline, which is neutral and non-polar, at codon 11 of the B2M protein (p.Ala11Pro). This variant is present in population databases (rs104894481, gnomAD 0.0009%). This missense change has been observed in individual(s) with familial hypercatabolic hypoproteinemia (PMID: 16549777). It has also been observed to segregate with disease in related individuals. This variant is also known as G913C. ClinVar contains an entry for this variant (Variation ID: 17740). An algorithm developed to predict the effect of missense changes on protein structure and function (PolyPhen-2) suggests that this variant is likely to be tolerated. In summary, the available evidence is currently insufficient to determine the role of this variant in disease. Therefore, it has been classified as a Variant of Uncertain Significance.

OMIM
Classification: Pathogenic for IMMUNODEFICIENCY 43. Last evaluated: 2006-03-28. Review status: no assertion criteria provided. Collection method: literature only. Allele origin: germline. Not counted in ClinVar's aggregate classification.

Literature cited by the submitters: PubMed 16549777 (cited by Labcorp Genetics (formerly Invitae), Labcorp and OMIM); PubMed 4186801 (cited by OMIM).

NM_004048.4(B2M):c.31G>C (p.Ala11Pro)

Gene: B2M (beta-2-microglobulin; plus strand). Cytogenetic location: 15q21.1.
Variant type: single nucleotide variant.
Coding change: c.31G>C on transcript NM_004048.4 (MANE Select); coding-DNA position 31, G replaced by C.
Protein change: p.Ala11Pro; replaces alanine 11 with proline.
Molecular consequence: missense variant.
Genome position (GRCh38, 1-based): chr15:44,711,577, G>C. VCF-style: chr15-44711577-G-C. GRCh37 (hg19) VCF-style: chr15-45003775-G-C.
Other names: B2M, ALA11PRO; short protein forms A11P.
Identifiers: ClinVar variation 17740 (VCV000017740.8), dbSNP rs104894481, ClinGen allele CA251327.